The following is an entry in ClinVar:

NM_004370.6(COL12A1):c.8284G>C (p.Gly2762Arg)

Gene: COL12A1 (collagen type XII alpha 1 chain; minus strand). Cytogenetic location: 6q13.
Variant type: single nucleotide variant.
Coding change: c.8284G>C on transcript NM_004370.6 (MANE Select); coding-DNA position 8284, G replaced by C.
Protein change: p.Gly2762Arg; replaces glycine 2762 with arginine.
Molecular consequence: missense variant.
Genome position (GRCh38, 1-based): chr6:75,103,792, C>G on the plus strand (G>C on the coding strand, the complement: COL12A1 is on the minus strand). VCF-style: chr6-75103792-C-G. GRCh37 (hg19) VCF-style: chr6-75813508-C-G.
Other names: c.8284G>C, p.Gly2762Arg (NM_001424113.1); c.8263G>C, p.Gly2755Arg (NM_001424114.1); c.8011G>C, p.Gly2671Arg (NM_001424115.1); c.4792G>C, p.Gly1598Arg (NM_001424116.1, NM_080645.3); short protein forms G2755R, G1598R, G2671R, G2762R.
Identifiers: ClinVar variation 4785498 (VCV004785498.1).

ClinVar aggregate classification (germline): Uncertain significance (1 of 4 stars; one submission).

Conditions:
Ullrich congenital muscular dystrophy 2 (UCMD2). Identifiers: Orphanet 75840, MedGen C4225314, MONDO:0014654, OMIM 616470.
Bethlem myopathy 2 (BTHLM2). Identifiers: Orphanet 536516, Orphanet 610, MedGen C4225313, MONDO:0034022, OMIM 616471.

Submission:

Labcorp Genetics (formerly Invitae), Labcorp
Classification: Uncertain significance for Bethlem myopathy 2; Ullrich congenital muscular dystrophy 2. Last evaluated: 2026-01-11. Review status: criteria provided, single submitter. Criteria: Invitae Variant Classification Sherloc (09022015). Collection method: clinical testing. Allele origin: germline.
Comment: This sequence change replaces glycine, which is neutral and non-polar, with arginine, which is basic and polar, at codon 2762 of the COL12A1 protein (p.Gly2762Arg). This variant is not present in population databases (gnomAD no frequency). This variant has not been reported in the literature in individuals affected with COL12A1-related conditions. An algorithm developed to predict the effect of missense changes on protein structure and function (PolyPhen-2) suggests that this variant is likely to be disruptive. In summary, the available evidence is currently insufficient to determine the role of this variant in disease. Therefore, it has been classified as a Variant of Uncertain Significance.